The following is an entry in ClinVar:

ClinVar aggregate classification (germline): Pathogenic (1 of 4 stars; one submission).

Submission:

Labcorp Genetics (formerly Invitae), Labcorp
Classification: Pathogenic. Last evaluated: 2025-05-30. Review status: criteria provided, single submitter. Criteria: Invitae Variant Classification Sherloc (09022015). Collection method: clinical testing. Allele origin: germline.
Comment: This sequence change creates a premature translational stop signal (p.Gln438*) in the SPEG gene. It is expected to result in an absent or disrupted protein product. Loss-of-function variants in SPEG are known to be pathogenic (PMID: 19118250, 25087613). This variant is not present in population databases (gnomAD no frequency). This variant has not been reported in the literature in individuals affected with SPEG-related conditions. For these reasons, this variant has been classified as Pathogenic.

Literature cited by the submitters: PubMed 19118250; PubMed 25087613.

NM_005876.5(SPEG):c.1312C>T (p.Gln438Ter)

Gene: SPEG (striated muscle enriched protein kinase; plus strand). Cytogenetic location: 2q35.
Variant type: single nucleotide variant.
Coding change: c.1312C>T on transcript NM_005876.5 (MANE Select); coding-DNA position 1312, C replaced by T.
Protein change: p.Gln438Ter; replaces glutamine 438 with a stop codon.
Molecular consequence: nonsense.
Genome position (GRCh38, 1-based): chr2:219,448,470, C>T. VCF-style: chr2-219448470-C-T. GRCh37 (hg19) VCF-style: chr2-220313192-C-T.
Other names: c.1135C>T, p.Gln379Ter (NM_001438925.1); c.1030C>T, p.Gln344Ter (NM_001438926.1, NM_001438929.1); c.1000C>T, p.Gln334Ter (NM_001438927.1); c.853C>T, p.Gln285Ter (NM_001438928.1, NM_001438933.1); c.823C>T, p.Gln275Ter (NM_001438930.1, NM_001438934.1); c.973C>T, p.Gln325Ter (NM_001438931.1); c.766C>T, p.Gln256Ter (NM_001438932.1); c.1342C>T, p.Gln448Ter (NM_001438924.1); short protein forms Q275*, Q334*, Q438*, Q256*, Q285*, Q344*, Q379*, Q448*.
Identifiers: ClinVar variation 4720516 (VCV004720516.1).